The following is an entry in ClinVar:

NM_020461.4(TUBGCP6):c.3495C>T (p.Ser1165=)

Gene: TUBGCP6 (tubulin gamma complex component 6; minus strand). Cytogenetic location: 22q13.33.
Variant type: single nucleotide variant.
Coding change: c.3495C>T on transcript NM_020461.4 (MANE Select); coding-DNA position 3495, C replaced by T.
Protein change: p.Ser1165=; no amino-acid change (serine 1165 retained).
Molecular consequence: synonymous variant.
Genome position (GRCh38, 1-based): chr22:50,220,864, G>A on the plus strand (C>T on the coding strand, the complement: TUBGCP6 is on the minus strand). VCF-style: chr22-50220864-G-A. GRCh37 (hg19) VCF-style: chr22-50659293-G-A.
Identifiers: ClinVar variation 744389 (VCV000744389.16), dbSNP rs540310913, ClinGen allele CA10307929.

ClinVar aggregate classification (germline): Likely benign. Review status: criteria provided, multiple submitters, no conflicts (2 of 4 stars). 4 submissions from 4 submitters: Likely benign (4). Last evaluated 2026-09-01.

Allele frequency attached by ClinVar (database versions not stated): ExAC 0.00004; gnomAD exomes 0.00004 and 0.00006; gnomAD 0.00008; 1000 Genomes Project 0.00040.

Submissions (4):

CeGaT Center for Human Genetics Tuebingen
Classification: Likely benign. Last evaluated: 2026-09-01. Review status: criteria provided, single submitter. Criteria: CeGaT Center For Human Genetics Tuebingen Variant Classification Criteria Version 2. Collection method: clinical testing. Allele origin: germline. Affected: yes. Observed: 2 variant alleles.
Comment: TUBGCP6: BP4, BP7

Labcorp Genetics (formerly Invitae), Labcorp
Classification: Likely benign. Last evaluated: 2025-08-21. Review status: criteria provided, single submitter. Criteria: Invitae Variant Classification Sherloc (09022015). Collection method: clinical testing. Allele origin: germline.

Blueprint Genetics
Classification: Likely benign. Last evaluated: 2024-08-26. Review status: criteria provided, single submitter. Criteria: ACMG Guidelines, 2015. Collection method: clinical testing. Allele origin: germline.

Breakthrough Genomics
Classification: Likely benign. Review status: criteria provided, single submitter. Criteria: ACMG Guidelines, 2015. Collection method: not provided. Allele origin: germline. Inheritance: Autosomal recessive inheritance. Affected: yes.